The following is an entry in ClinVar:

ClinVar aggregate classification (germline): Pathogenic. Review status: criteria provided, single submitter (1 of 4 stars). 3 submissions from 3 submitters: Pathogenic (1). 2 of the submissions do not count toward it. Last evaluated 2025-04-10.

Conditions:
beta Thalassemia (BTHAL). Also called: Cooley's anemia; Erythroblastic anemia; Mediterranean anemia. Identifiers: Orphanet 848, MedGen C0005283, MONDO:0019402. Disease mechanism: loss of function.

Submissions (3):

Quest Diagnostics Nichols Institute San Juan Capistrano
Classification: Pathogenic. Last evaluated: 2025-04-10. Review status: criteria provided, single submitter. Criteria: Quest Diagnostics criteria. Collection method: clinical testing. Allele origin: unknown.
Comment: The HBB c.166del (p.Met56Trpfs*6, also known as Codon 55 (-A)) variant alters the translational reading frame of the HBB mRNA and causes the premature termination of HBB protein synthesis. This variant has been reported in the published literature in an individual with beta (0)-thalassemia (PMID: 11939511 (2002)), as well as individuals with transfusion dependent beta thalassemia (PMID: 11791873 (2001)). This variant has not been reported in large, multi-ethnic general populations (Genome Aggregation Database). Based on the available information, this variant is classified as pathogenic.

The ITHANET community portal, The Cyprus Institute of Neurology and Genetics
Classification: Pathogenic for beta Thalassemia. Last evaluated: 2019-11-25. Review status: no assertion criteria provided. Collection method: curation. Allele origin: germline. Not counted in ClinVar's aggregate classification.

Department of Pathology, Krishna Institute of Medical Sciences “Deemed To Be University”, Karad
Classification: Pathogenic for Beta-thalassemia HBB/LCRB. Review status: no assertion criteria provided. Collection method: research. Allele origin: germline. Inheritance: Autosomal recessive inheritance. Affected: yes. Observed: 1 heterozygote. Not counted in ClinVar's aggregate classification.

Literature cited by the submitters: PubMed 11939511 (cited by Quest Diagnostics Nichols Institute San Juan Capistrano); PubMed 11791873 (cited by Quest Diagnostics Nichols Institute San Juan Capistrano and The ITHANET community portal, The Cyprus Institute of Neurology and Genetics); PubMed 33829933 (cited by Quest Diagnostics Nichols Institute San Juan Capistrano); PubMed 32412692 (cited by Quest Diagnostics Nichols Institute San Juan Capistrano).

NM_000518.5(HBB):c.166del (p.Met56fs)

Genes: HBB (hemoglobin subunit beta; minus strand), LOC106099062 (HBB recombination region; plus strand), LOC107133510 (origin of replication at HBB; plus strand). Cytogenetic location: 11p15.4.
Variant type: Deletion.
Coding change: c.166del on transcript NM_000518.5 (MANE Select); coding-DNA position 166, one base deleted (A; older notation c.166delA).
Protein change: p.Met56fs; shifts the reading frame from methionine 56.
Molecular consequence: frameshift variant.
Genome position (GRCh38, 1-based): chr11:5,226,726, T deleted on the plus strand (A on the coding strand, the reverse complement: HBB is on the minus strand). VCF-style (leftmost placement, unchanged base first): chr11-5226725-AT-A. GRCh37 (hg19) VCF-style: chr11-5247955-AT-A.
Other names: CD 55 (-A); Met56fs; short protein forms M56fs.
Identifiers: ClinVar variation 869348 (VCV000869348.6), dbSNP rs1847560717, ClinGen allele CA916083200.
Genomic context (GRCh38, chr11:5,226,725, plus strand): 5'-AGGCCATCACTAAAGGCACCGAGCACTTTCTTGCCATGAGCCTTCACCTTAGGGTTGCCC[AT>A]AACAGCATCAGGAGTGGACAGATCCCCAAAGGACTCAAAGAACCTCTGGGTCCAAGGGTA-3'